The following is an entry in ClinVar:

NM_017654.4(SAMD9):c.2326C>A (p.Gln776Lys)

Gene: SAMD9 (sterile alpha motif domain containing 9; minus strand). Cytogenetic location: 7q21.2.
Variant type: single nucleotide variant.
Coding change: c.2326C>A on transcript NM_017654.4 (MANE Select); coding-DNA position 2326, C replaced by A.
Protein change: p.Gln776Lys; replaces glutamine 776 with lysine.
Molecular consequence: missense variant.
Genome position (GRCh38, 1-based): chr7:93,103,772, G>T on the plus strand (C>A on the coding strand, the complement: SAMD9 is on the minus strand). VCF-style: chr7-93103772-G-T. GRCh37 (hg19) VCF-style: chr7-92733085-G-T.
Other names: c.2326C>A, p.Gln776Lys (NM_001193307.2); short protein forms Q776K.
Identifiers: ClinVar variation 2910212 (VCV002910212.3), dbSNP rs1228538865, ClinGen allele CA368191391.
Genomic context (GRCh38, chr7:93,103,772, plus strand): 5'-GTAGTACAGGTACGTATTCCTGACGGTTCATTGCCCCATAGGTGATTAAACTGGTTACCT[G>T]TTCTCCAATTTCAGAAAAATCCACTGTCTTGTTTTTCAGCACAGCACATCTGAATTTCTT-3'
Protein context (NP_060124.2, residues 766-786): KTVDFSEIGE[Gln776Lys]VTSLITYGAM

ClinVar aggregate classification (germline): Uncertain significance (1 of 4 stars; one submission).

Submission:

Labcorp Genetics (formerly Invitae), Labcorp
Classification: Uncertain significance. Last evaluated: 2025-04-07. Review status: criteria provided, single submitter. Criteria: Invitae Variant Classification Sherloc (09022015). Collection method: clinical testing. Allele origin: germline.
Comment: This sequence change replaces glutamine, which is neutral and polar, with lysine, which is basic and polar, at codon 776 of the SAMD9 protein (p.Gln776Lys). This variant is not present in population databases (gnomAD no frequency). This missense change has been observed in individual(s) with MIRAGE syndrome (PMID: 29146883). ClinVar contains an entry for this variant (Variation ID: 2910212). Invitae Evidence Modeling of protein sequence and biophysical properties (such as structural, functional, and spatial information, amino acid conservation, physicochemical variation, residue mobility, and thermodynamic stability) has been performed for this missense variant. However, the output from this modeling did not meet the statistical confidence thresholds required to predict the impact of this variant on SAMD9 protein function. In summary, the available evidence is currently insufficient to determine the role of this variant in disease. Therefore, it has been classified as a Variant of Uncertain Significance.

Literature cited by the submitters: PubMed 29146883.